The following is an entry in ClinVar:

ClinVar aggregate classification (germline): Uncertain significance (1 of 4 stars; one submission).

Conditions:
Muscle AMP deaminase deficiency (MMDD). Also called: Myoadenylate deaminase deficiency, myopathy due to; Adenosine monophosphate deaminase 1 deficiency; AMP deaminase 1 deficiency; Adenosine Monophosphate Deaminase 1; ADENOSINE MONOPHOSPHATE DEAMINASE-1 DEFICIENCY, MYOPATHY DUE TO; AMPD1 DEFICIENCY. Identifiers: Orphanet 45, MedGen C3714933, MONDO:0014220, OMIM 615511.

Submission:

Labcorp Genetics (formerly Invitae), Labcorp
Classification: Uncertain significance for Muscle AMP deaminase deficiency. Last evaluated: 2022-08-15. Review status: criteria provided, single submitter. Criteria: Invitae Variant Classification Sherloc (09022015). Collection method: clinical testing. Allele origin: germline.
Comment: In summary, the available evidence is currently insufficient to determine the role of this variant in disease. Therefore, it has been classified as a Variant of Uncertain Significance. Algorithms developed to predict the effect of missense changes on protein structure and function (SIFT, PolyPhen-2, Align-GVGD) all suggest that this variant is likely to be disruptive. ClinVar contains an entry for this variant (Variation ID: 1368719). This variant has not been reported in the literature in individuals affected with AMPD1-related conditions. This variant is not present in population databases (gnomAD no frequency). This sequence change replaces arginine, which is basic and polar, with serine, which is neutral and polar, at codon 494 of the AMPD1 protein (p.Arg494Ser).

NM_000036.3(AMPD1):c.1383G>C (p.Arg461Ser)

Gene: AMPD1 (adenosine monophosphate deaminase 1; minus strand). Cytogenetic location: 1p13.2.
Variant type: single nucleotide variant.
Coding change: c.1383G>C on transcript NM_000036.3 (MANE Select); coding-DNA position 1383, G replaced by C.
Protein change: p.Arg461Ser; replaces arginine 461 with serine.
Molecular consequence: missense variant.
Genome position (GRCh38, 1-based): chr1:114,677,356, C>G on the plus strand (G>C on the coding strand, the complement: AMPD1 is on the minus strand). VCF-style: chr1-114677356-C-G. GRCh37 (hg19) VCF-style: chr1-115219977-C-G.
Other names: c.1371G>C, p.Arg457Ser (NM_001172626.2); short protein forms R461S, R457S.
Identifiers: ClinVar variation 1368719 (VCV001368719.8), dbSNP rs1371202947, ClinGen allele CA341748293.